The following is an entry in ClinVar:

NM_001128840.3(CACNA1D):c.5408+6C>T

Gene: CACNA1D (calcium voltage-gated channel subunit alpha1 D; plus strand). Cytogenetic location: 3p21.1.
Variant type: single nucleotide variant.
Coding change: c.5408+6C>T on transcript NM_001128840.3 (MANE Select); 6 bases into the intron after coding-DNA position 5408, C replaced by T.
Molecular consequence: intron variant.
Genome position (GRCh38, 1-based): chr3:53,801,431, C>T. VCF-style: chr3-53801431-C-T. GRCh37 (hg19) VCF-style: chr3-53835458-C-T.
Other names: c.5363+6C>T (NM_001128839.3); c.5468+6C>T (NM_000720.4).
Identifiers: ClinVar variation 1944275 (VCV001944275.5), dbSNP rs1398984869, ClinGen allele CA543193896.

ClinVar aggregate classification (germline): Uncertain significance (1 of 4 stars; one submission).

Allele frequency attached by ClinVar (database versions not stated): gnomAD exomes below 0.00001; gnomAD 0.00001; TOPMed 0.00002.
gnomAD v4.1: 4 of 1,613,548 alleles (0.00025%); highest among the groups gnomAD compares: African/African-American, 0.0053%; no homozygotes.

Submission:

Labcorp Genetics (formerly Invitae), Labcorp
Classification: Uncertain significance. Last evaluated: 2024-12-20. Review status: criteria provided, single submitter. Criteria: Invitae Variant Classification Sherloc (09022015). Collection method: clinical testing. Allele origin: germline.
Comment: This sequence change falls in intron 43 of the CACNA1D gene. It does not directly change the encoded amino acid sequence of the CACNA1D protein. It affects a nucleotide within the consensus splice site. The frequency data for this variant in the population databases is considered unreliable, as metrics indicate poor data quality at this position in the gnomAD database. This variant has not been reported in the literature in individuals affected with CACNA1D-related conditions. ClinVar contains an entry for this variant (Variation ID: 1944275). Variants that disrupt the consensus splice site are a relatively common cause of aberrant splicing (PMID: 17576681, 9536098). Algorithms developed to predict the effect of sequence changes on RNA splicing suggest that this variant is not likely to affect RNA splicing. In summary, the available evidence is currently insufficient to determine the role of this variant in disease. Therefore, it has been classified as a Variant of Uncertain Significance.

Literature cited by the submitters: PubMed 17576681; PubMed 9536098.